The following is an entry in ClinVar:

NM_000222.3(KIT):c.988A>G (p.Asn330Asp)

Gene: KIT (KIT proto-oncogene, receptor tyrosine kinase; plus strand). Cytogenetic location: 4q12.
Variant type: single nucleotide variant.
Coding change: c.988A>G on transcript NM_000222.3 (MANE Select); coding-DNA position 988, A replaced by G.
Protein change: p.Asn330Asp; replaces asparagine 330 with aspartic acid.
Molecular consequence: missense variant.
Genome position (GRCh38, 1-based): chr4:54,707,160, A>G. VCF-style: chr4-54707160-A-G. GRCh37 (hg19) VCF-style: chr4-55573326-A-G.
Other names: c.991A>G, p.Asn331Asp (NM_001385292.1, NM_001385284.1, NM_001385288.1 and 1 more transcripts); c.988A>G, p.Asn330Asp (NM_001093772.2, NM_001385285.1, NM_001385286.1); short protein forms N330D, N331D.
Identifiers: ClinVar variation 5023321 (VCV005023321.1).
Genomic context (GRCh38, chr4:54,707,160, plus strand): 5'-AAAGGATTCATTAATATCTTCCCCATGATAAACACTACAGTATTTGTAAACGATGGAGAA[A>G]ATGTAGATTTGATTGTTGAATATGAAGCATTCCCCAAACCTGAACACCAGCAGTGGATCT-3'
Protein context (NP_000213.1, residues 320-340): NTTVFVNDGE[Asn330Asp]VDLIVEYEAF

ClinVar aggregate classification (germline): Uncertain significance (1 of 4 stars; one submission).

Conditions:
Hereditary cancer-predisposing syndrome. Also called: Neoplastic Syndromes, Hereditary; Tumor predisposition; Hereditary neoplastic syndrome; Hereditary Cancer Syndrome. Identifiers: Orphanet 140162, MedGen C0027672, MeSH D009386, MONDO:0015356.

Submission:

Ambry Genetics
Classification: Uncertain significance for Hereditary cancer-predisposing syndrome. Last evaluated: 2026-07-07. Review status: criteria provided, single submitter. Criteria: Ambry Variant Classification Scheme 2023. Collection method: clinical testing. Allele origin: germline.
Comment: The p.N330D variant (also known as c.988A>G), located in coding exon 6 of the KIT gene, results from an A to G substitution at nucleotide position 988. The asparagine at codon 330 is replaced by aspartic acid, an amino acid with highly similar properties. This amino acid position is conserved. In addition, this alteration is predicted to be tolerated by in silico analysis. Based on the available evidence, the clinical significance of this variant remains unclear.